The following is an entry in ClinVar:

ClinVar aggregate classification (germline): Benign/Likely benign. Review status: criteria provided, multiple submitters, no conflicts (2 of 4 stars). 4 submissions from 2 submitters: Benign (2); Likely benign (2). Last evaluated 2026-01-28.

Conditions:
Factor V deficiency. Also called: Reduced coagulation factor V activity. Identifiers: Orphanet 326, MedGen C4317320, MONDO:0020586, HP:0003225.
Budd-Chiari syndrome (BDCHS). Also called: Hepatic vein obstruction. Identifiers: Orphanet 131, MedGen C0856761, MONDO:0010947, OMIM 600880, HP:0002639.
Thrombophilia due to thrombin defect (THPH1). Also called: Thrombosis susceptibility; THROMBOPHILIA DUE TO FACTOR 2 DEFECT; Prothrombin-Related Thrombophilia (Factor II); Prothrombin Thrombophilia. Identifiers: MedGen C3160733, MONDO:0008559, OMIM 188050. Disease mechanism: gain of function, loss of function.
Congenital factor V deficiency. Also called: Hereditary factor V deficiency disease; LABILE FACTOR DEFICIENCY; PARAHEMOPHILIA; OWREN PARAHEMOPHILIA. Identifiers: Orphanet 326, MedGen C0015499, MONDO:0009210, OMIM 227400.

Allele frequency attached by ClinVar (database versions not stated): gnomAD exomes 0.00066 and 0.00173; ExAC 0.00195; gnomAD 0.00687 and 0.00733; ESP Exome Variant Server 0.00746; TOPMed 0.00774; 1000 Genomes Project 0.00839; 1000 Genomes Project 30x 0.00843.
gnomAD v4.1: 2,059 of 1,613,814 alleles (0.13%); highest among the groups gnomAD compares: African/African-American, 2.4%; 23 homozygotes.

Submissions (4):

Labcorp Genetics (formerly Invitae), Labcorp
Classification: Benign for Congenital factor V deficiency. Last evaluated: 2026-01-28. Review status: criteria provided, single submitter. Criteria: Invitae Variant Classification Sherloc (09022015). Collection method: clinical testing. Allele origin: germline.

Illumina Laboratory Services, Illumina
Classification: Likely benign for Budd-Chiari syndrome. Last evaluated: 2018-01-13. Review status: criteria provided, single submitter. Criteria: ICSL Variant Classification Criteria 13 December 2019. Collection method: clinical testing. Allele origin: germline.
Comment: This variant was observed in the ICSL laboratory as part of a predisposition screen in an ostensibly healthy population. It had not been previously curated by ICSL or reported in the Human Gene Mutation Database (HGMD: prior to June 1st, 2018), and was therefore a candidate for classification through an automated scoring system. Utilizing variant allele frequency, disease prevalence and penetrance estimates, and inheritance mode, an automated score was calculated to assess if this variant is too frequent to cause the disease. Based on the score and internal cut-off values, a variant classified as likely benign is not then subjected to further curation. The score for this variant resulted in a classification of likely benign for this disease.

Illumina Laboratory Services, Illumina
Classification: Likely benign for Venous thrombosis. Last evaluated: 2018-01-13. Review status: criteria provided, single submitter. Criteria: ICSL Variant Classification Criteria 13 December 2019. Collection method: clinical testing. Allele origin: germline.
Comment: the same text as in the submission from Illumina Laboratory Services, Illumina above.

Illumina Laboratory Services, Illumina
Classification: Benign for Congenital factor V deficiency. Last evaluated: 2018-01-13. Review status: criteria provided, single submitter. Criteria: ICSL Variant Classification Criteria 13 December 2019. Collection method: clinical testing. Allele origin: germline.
Comment: This variant was observed in the ICSL laboratory as part of a predisposition screen in an ostensibly healthy population. It had not been previously curated by ICSL or reported in the Human Gene Mutation Database (HGMD: prior to June 1st, 2018), and was therefore a candidate for classification through an automated scoring system. Utilizing variant allele frequency, disease prevalence and penetrance estimates, and inheritance mode, an automated score was calculated to assess if this variant is too frequent to cause the disease. Based on the score and internal cut-off values, a variant classified as benign is not then subjected to further curation. The score for this variant resulted in a classification of benign for this disease.

NM_000130.5(F5):c.158+13T>C

Gene: F5 (coagulation factor V; minus strand). Cytogenetic location: 1q24.2.
Variant type: single nucleotide variant.
Coding change: c.158+13T>C on transcript NM_000130.5 (MANE Select); 13 bases into the intron after coding-DNA position 158, T replaced by C.
Molecular consequence: intron variant.
Genome position (GRCh38, 1-based): chr1:169,586,216, A>G on the plus strand (T>C on the coding strand, the complement: F5 is on the minus strand). VCF-style: chr1-169586216-A-G. GRCh37 (hg19) VCF-style: chr1-169555454-A-G.
Identifiers: ClinVar variation 293642 (VCV000293642.9), dbSNP rs116416322, ClinGen allele CA1234726.